The following is an entry in ClinVar:

ClinVar aggregate classification (germline): Uncertain significance (1 of 4 stars; one submission).

Conditions:
Early-infantile DEE. Also called: Ohtahara syndrome; Early infantile epileptic encephalopathy with suppression bursts; Early infantile epileptic encephalopathy. Identifiers: Orphanet 1934, MedGen C0393706, MONDO:0800491.

gnomAD v4.1: 2 of 1,613,438 alleles (0.00012%); highest among the groups gnomAD compares: Non-Finnish European, 0.00017%; no homozygotes.

Submission:

Labcorp Genetics (formerly Invitae), Labcorp
Classification: Uncertain significance for Early-infantile DEE. Last evaluated: 2024-10-22. Review status: criteria provided, single submitter. Criteria: Invitae Variant Classification Sherloc (09022015). Collection method: clinical testing. Allele origin: germline.
Comment: This sequence change replaces proline, which is neutral and non-polar, with leucine, which is neutral and non-polar, at codon 661 of the ARHGEF15 protein (p.Pro661Leu). This variant is not present in population databases (gnomAD no frequency). This variant has not been reported in the literature in individuals affected with ARHGEF15-related conditions. ClinVar contains an entry for this variant (Variation ID: 972119). An algorithm developed to predict the effect of missense changes on protein structure and function (PolyPhen-2) suggests that this variant is likely to be disruptive. In summary, the available evidence is currently insufficient to determine the role of this variant in disease. Therefore, it has been classified as a Variant of Uncertain Significance.

NM_173728.4(ARHGEF15):c.1982C>T (p.Pro661Leu)

Gene: ARHGEF15 (Rho guanine nucleotide exchange factor 15; plus strand). Cytogenetic location: 17p13.1.
Variant type: single nucleotide variant.
Coding change: c.1982C>T on transcript NM_173728.4 (MANE Select); coding-DNA position 1982, C replaced by T.
Protein change: p.Pro661Leu; replaces proline 661 with leucine.
Molecular consequence: missense variant.
Genome position (GRCh38, 1-based): chr17:8,318,859, C>T. VCF-style: chr17-8318859-C-T. GRCh37 (hg19) VCF-style: chr17-8222177-C-T.
Other names: c.1982C>T, p.Pro661Leu (NM_025014.2); short protein forms P661L.
Identifiers: ClinVar variation 972119 (VCV000972119.10), dbSNP rs1336704004, ClinGen allele CA398023807.